The following is an entry in ClinVar:

NM_014806.5(RUSC2):c.1098C>G (p.Tyr366Ter)

Gene: RUSC2 (RUN and SH3 domain containing 2; plus strand). Cytogenetic location: 9p13.3.
Variant type: single nucleotide variant.
Coding change: c.1098C>G on transcript NM_014806.5 (MANE Select); coding-DNA position 1098, C replaced by G.
Protein change: p.Tyr366Ter; replaces tyrosine 366 with a stop codon.
Molecular consequence: nonsense. On other transcripts: non-coding transcript variant (1), intron variant (1).
Genome position (GRCh38, 1-based): chr9:35,547,619, C>G. VCF-style: chr9-35547619-C-G. GRCh37 (hg19) VCF-style: chr9-35547616-C-G.
Other names: c.1098C>G, p.Tyr366Ter (NM_001135999.2); c.-620-7441C>G (NM_001330740.2); short protein forms Y366*.
Identifiers: ClinVar variation 1451964 (VCV001451964.6), dbSNP rs2132553356, ClinGen allele CA373330656.
Genomic context (GRCh38, chr9:35,547,619, plus strand): 5'-AGGGGGCTATGGTTGCCCTCATGCCTCTTCTCCTGAGCTTGATGCCAACTGCAACTCCTA[C>G]CGCCCACACTGTGAGCCGTGCCCAGCAGTGGCTGACCTCACAGCCTGCTTCCAAAGCCAG-3'

ClinVar aggregate classification (germline): Pathogenic (1 of 4 stars; one submission).

gnomAD v4.1: 1 of 1,614,206 alleles (0.000062%); highest among the groups gnomAD compares: Non-Finnish European, 0.000085%; no homozygotes.

Submission:

Labcorp Genetics (formerly Invitae), Labcorp
Classification: Pathogenic. Last evaluated: 2022-08-09. Review status: criteria provided, single submitter. Criteria: Invitae Variant Classification Sherloc (09022015). Collection method: clinical testing. Allele origin: germline.
Comment: This variant has not been reported in the literature in individuals affected with RUSC2-related conditions. This variant is not present in population databases (gnomAD no frequency). This sequence change creates a premature translational stop signal (p.Tyr366*) in the RUSC2 gene. It is expected to result in an absent or disrupted protein product. Loss-of-function variants in RUSC2 are known to be pathogenic (PMID: 27612186). For these reasons, this variant has been classified as Pathogenic. Algorithms developed to predict the effect of sequence changes on RNA splicing suggest that this variant may create or strengthen a splice site. ClinVar contains an entry for this variant (Variation ID: 1451964).

Literature cited by the submitters: PubMed 27612186.